The following is an entry in ClinVar:

ClinVar aggregate classification (germline): Conflicting classifications of pathogenicity. Review status: criteria provided, conflicting classifications (1 of 4 stars). 2 submissions from 2 submitters: Uncertain significance (1); Likely benign (1). Last evaluated 2022-10-19.

Allele frequency attached by ClinVar (database versions not stated): ExAC 0.00001; gnomAD exomes 0.00001; gnomAD 0.00003; TOPMed 0.00003.
gnomAD v4.1: 20 of 1,613,056 alleles (0.0012%); highest among the groups gnomAD compares: African/African-American, 0.004%; no homozygotes.

Submissions (2):

Blueprint Genetics
Classification: Likely benign. Last evaluated: 2022-10-19. Review status: criteria provided, single submitter. Criteria: ACMG Guidelines, 2015. Collection method: clinical testing. Allele origin: germline.

Labcorp Genetics (formerly Invitae), Labcorp
Classification: Uncertain significance. Last evaluated: 2022-06-02. Review status: criteria provided, single submitter. Criteria: Invitae Variant Classification Sherloc (09022015). Collection method: clinical testing. Allele origin: germline.
Comment: This sequence change replaces alanine, which is neutral and non-polar, with threonine, which is neutral and polar, at codon 1376 of the PTPN23 protein (p.Ala1376Thr). This variant is present in population databases (rs749890466, gnomAD 0.004%). This variant has not been reported in the literature in individuals affected with PTPN23-related conditions. ClinVar contains an entry for this variant (Variation ID: 1346761). Algorithms developed to predict the effect of missense changes on protein structure and function output the following: SIFT: "Tolerated"; PolyPhen-2: "Benign"; Align-GVGD: "Class C0". The threonine amino acid residue is found in multiple mammalian species, which suggests that this missense change does not adversely affect protein function. In summary, the available evidence is currently insufficient to determine the role of this variant in disease. Therefore, it has been classified as a Variant of Uncertain Significance.

NM_015466.4(PTPN23):c.4126G>A (p.Ala1376Thr)

Gene: PTPN23 (protein tyrosine phosphatase non-receptor type 23; plus strand). Cytogenetic location: 3p21.31.
Variant type: single nucleotide variant.
Coding change: c.4126G>A on transcript NM_015466.4 (MANE Select); coding-DNA position 4126, G replaced by A.
Protein change: p.Ala1376Thr; replaces alanine 1376 with threonine.
Molecular consequence: missense variant.
Genome position (GRCh38, 1-based): chr3:47,412,146, G>A. VCF-style: chr3-47412146-G-A. GRCh37 (hg19) VCF-style: chr3-47453636-G-A.
Other names: c.3748G>A, p.Ala1250Thr (NM_001304482.2); short protein forms A1376T, A1250T.
Identifiers: ClinVar variation 1346761 (VCV001346761.6), dbSNP rs749890466, ClinGen allele CA2366471.